The following is an entry in ClinVar:

ClinVar aggregate classification (germline): Uncertain significance. Review status: criteria provided, multiple submitters, no conflicts (2 of 4 stars). 2 submissions from 2 submitters: Uncertain significance (2). Last evaluated 2025-04-29.

Conditions:
Inborn genetic diseases. Identifiers: MedGen C0950123, MeSH D030342.

Allele frequency attached by ClinVar (database versions not stated): ExAC 0.00003.
gnomAD v4.1: 9 of 1,613,988 alleles (0.00056%); highest among the groups gnomAD compares: Admixed American, 0.015%; no homozygotes.

Submissions (2):

Ambry Genetics
Classification: Uncertain significance for Inborn genetic diseases. Last evaluated: 2025-04-29. Review status: criteria provided, single submitter. Criteria: Ambry Variant Classification Scheme 2023. Collection method: clinical testing. Allele origin: germline.

Labcorp Genetics (formerly Invitae), Labcorp
Classification: Uncertain significance. Last evaluated: 2023-08-10. Review status: criteria provided, single submitter. Criteria: Invitae Variant Classification Sherloc (09022015). Collection method: clinical testing. Allele origin: germline.
Comment: This sequence change replaces lysine, which is basic and polar, with glutamic acid, which is acidic and polar, at codon 848 of the IREB2 protein (p.Lys848Glu). This variant is present in population databases (rs200881284, gnomAD 0.03%). This variant has not been reported in the literature in individuals affected with IREB2-related conditions. ClinVar contains an entry for this variant (Variation ID: 1907498). An algorithm developed to predict the effect of missense changes on protein structure and function (PolyPhen-2) suggests that this variant is likely to be tolerated. In summary, the available evidence is currently insufficient to determine the role of this variant in disease. Therefore, it has been classified as a Variant of Uncertain Significance.

NM_004136.4(IREB2):c.2542A>G (p.Lys848Glu)

Gene: IREB2 (iron responsive element binding protein 2; plus strand). Cytogenetic location: 15q25.1.
Variant type: single nucleotide variant.
Coding change: c.2542A>G on transcript NM_004136.4 (MANE Select); coding-DNA position 2542, A replaced by G.
Protein change: p.Lys848Glu; replaces lysine 848 with glutamic acid.
Molecular consequence: missense variant.
Genome position (GRCh38, 1-based): chr15:78,494,211, A>G. VCF-style: chr15-78494211-A-G. GRCh37 (hg19) VCF-style: chr15-78786553-A-G.
Other names: c.2542A>G (NM_004136.2); c.1792A>G, p.Lys598Glu (NM_001320941.2); c.2371A>G, p.Lys791Glu (NM_001320942.2, NM_001354994.2); short protein forms K598E, K791E, K848E.
Identifiers: ClinVar variation 1907498 (VCV001907498.6), dbSNP rs200881284, ClinGen allele CA7683260.